The following is an entry in ClinVar:

NM_001378778.1(MPDZ):c.4988G>C (p.Gly1663Ala)

Gene: MPDZ (multiple PDZ domain crumbs cell polarity complex component; minus strand). Cytogenetic location: 9p23.
Variant type: single nucleotide variant.
Coding change: c.4988G>C on transcript NM_001378778.1 (MANE Select); coding-DNA position 4988, G replaced by C.
Protein change: p.Gly1663Ala; replaces glycine 1663 with alanine.
Molecular consequence: missense variant.
Genome position (GRCh38, 1-based): chr9:13,122,136, C>G on the plus strand (G>C on the coding strand, the complement: MPDZ is on the minus strand). VCF-style: chr9-13122136-C-G. GRCh37 (hg19) VCF-style: chr9-13122135-C-G.
Other names: c.4889G>C, p.Gly1630Ala (NM_001261406.2, NM_001261407.2, NM_001375416.1 and 3 more transcripts); c.4988G>C, p.Gly1663Ala (NM_001330637.2, NM_003829.5); c.5087G>C, p.Gly1696Ala (NM_001375413.1); c.4778G>C, p.Gly1593Ala (NM_001375420.1, NM_001375421.1, NM_001375422.1 and 4 more transcripts); c.4580G>C, p.Gly1527Ala (NM_001375427.1); short protein forms G1527A, G1630A, G1593A, G1663A, G1696A.
Identifiers: ClinVar variation 2079816 (VCV002079816.4), dbSNP rs2538471818, ClinGen allele CA372945089.

ClinVar aggregate classification (germline): Uncertain significance (1 of 4 stars; one submission).

Submission:

Labcorp Genetics (formerly Invitae), Labcorp
Classification: Uncertain significance. Last evaluated: 2022-04-29. Review status: criteria provided, single submitter. Criteria: Invitae Variant Classification Sherloc (09022015). Collection method: clinical testing. Allele origin: germline.
Comment: In summary, the available evidence is currently insufficient to determine the role of this variant in disease. Therefore, it has been classified as a Variant of Uncertain Significance. Algorithms developed to predict the effect of missense changes on protein structure and function (SIFT, PolyPhen-2, Align-GVGD) all suggest that this variant is likely to be disruptive. This variant has not been reported in the literature in individuals affected with MPDZ-related conditions. This variant is not present in population databases (gnomAD no frequency). This sequence change replaces glycine, which is neutral and non-polar, with alanine, which is neutral and non-polar, at codon 1663 of the MPDZ protein (p.Gly1663Ala).